The following is an entry in ClinVar:

NM_152564.5(VPS13B):c.1580T>G (p.Ile527Arg)

Gene: VPS13B (vacuolar protein sorting 13 homolog B; plus strand). Cytogenetic location: 8q22.2.
Variant type: single nucleotide variant.
Coding change: c.1580T>G on transcript NM_152564.5 (MANE Select); coding-DNA position 1580, T replaced by G.
Protein change: p.Ile527Arg; replaces isoleucine 527 with arginine.
Molecular consequence: missense variant.
Genome position (GRCh38, 1-based): chr8:99,136,681, T>G. VCF-style: chr8-99136681-T-G. GRCh37 (hg19) VCF-style: chr8-100148909-T-G.
Other names: c.1580T>G (NM_152564.4, NM_017890.3); c.1580T>G, p.Ile527Arg (NM_015243.3, NM_017890.5); short protein forms I527R.
Identifiers: ClinVar variation 1367400 (VCV001367400.9), dbSNP rs1810086193, ClinGen allele CA371863451.

ClinVar aggregate classification (germline): Conflicting classifications of pathogenicity. Review status: criteria provided, conflicting classifications (1 of 4 stars). 4 submissions from 4 submitters: Uncertain significance (2); Benign (1). 1 of the submissions does not count toward it. Last evaluated 2025-01-16.

Conditions:
Inborn genetic diseases. Identifiers: MedGen C0950123, MeSH D030342.
Intellectual disability. Also called: Intellectual functioning disability; Intellectual developmental disorder; intellectual disabilities. Identifiers: MedGen C3714756, MeSH D008607, MONDO:0001071, HP:0001249.
VPS13B-related disorder. Also called: VPS13B-related condition.
Cohen syndrome (COH1). Also called: PEPPER SYNDROME; Cutis verticis gyrata, retinitis pigmentosa, and sensorineural deafness. Identifiers: Orphanet 193, MedGen C0265223, MONDO:0008999, OMIM 216550.

Allele frequency attached by ClinVar (database versions not stated): gnomAD exomes below 0.00001.
gnomAD v4.1: 1 of 1,613,610 alleles (0.000062%); highest among the groups gnomAD compares: Non-Finnish European, 0.000085%; no homozygotes.

Submissions (4):

Ambry Genetics
Classification: Uncertain significance for Inborn genetic diseases. Last evaluated: 2025-01-16. Review status: criteria provided, single submitter. Criteria: Ambry Variant Classification Scheme 2023. Collection method: clinical testing. Allele origin: germline.

Labcorp Genetics (formerly Invitae), Labcorp
Classification: Uncertain significance for Cohen syndrome. Last evaluated: 2024-10-07. Review status: criteria provided, single submitter. Criteria: Invitae Variant Classification Sherloc (09022015). Collection method: clinical testing. Allele origin: germline.
Comment: This sequence change replaces isoleucine, which is neutral and non-polar, with arginine, which is basic and polar, at codon 527 of the VPS13B protein (p.Ile527Arg). This variant is not present in population databases (gnomAD no frequency). This variant has not been reported in the literature in individuals affected with VPS13B-related conditions. ClinVar contains an entry for this variant (Variation ID: 1367400). Invitae Evidence Modeling of protein sequence and biophysical properties (such as structural, functional, and spatial information, amino acid conservation, physicochemical variation, residue mobility, and thermodynamic stability) indicates that this missense variant is expected to disrupt VPS13B protein function with a positive predictive value of 80%. In summary, the available evidence is currently insufficient to determine the role of this variant in disease. Therefore, it has been classified as a Variant of Uncertain Significance.

Cambridge Genomics Laboratory, East Genomic Laboratory Hub, NHS Genomic Medicine Service
Classification: Benign for Intellectual disability. Last evaluated: 2019-04-24. Review status: criteria provided, single submitter. Criteria: ACGS Best Practice Guidelines for Variant Classification in Rare Disease 2020. Collection method: clinical testing. Allele origin: germline. Affected: yes. Observed: 1 variant allele.

PreventionGenetics, part of Exact Sciences
Classification: Uncertain significance for VPS13B-related condition. Last evaluated: 2024-08-27. Review status: no assertion criteria provided. Collection method: clinical testing. Allele origin: germline. Not counted in ClinVar's aggregate classification.
Comment: The VPS13B c.1580T>G variant is predicted to result in the amino acid substitution p.Ile527Arg. To our knowledge, this variant has not been reported in the literature or in a large population database, indicating this variant is rare. At this time, the clinical significance of this variant is uncertain due to the absence of conclusive functional and genetic evidence.